The following is an entry in ClinVar:

ClinVar aggregate classification (germline): Uncertain significance (1 of 4 stars; one submission).

Allele frequency attached by ClinVar (database versions not stated): ExAC 0.00001; 1000 Genomes Project 30x 0.00016; 1000 Genomes Project 0.00020.
gnomAD v4.1: 3 of 1,613,132 alleles (0.00019%); highest among the groups gnomAD compares: African/African-American, 0.004%; no homozygotes.

Submission:

Labcorp Genetics (formerly Invitae), Labcorp
Classification: Uncertain significance. Last evaluated: 2022-05-27. Review status: criteria provided, single submitter. Criteria: Invitae Variant Classification Sherloc (09022015). Collection method: clinical testing. Allele origin: germline.
Comment: In summary, the available evidence is currently insufficient to determine the role of this variant in disease. Therefore, it has been classified as a Variant of Uncertain Significance. Algorithms developed to predict the effect of missense changes on protein structure and function are either unavailable or do not agree on the potential impact of this missense change (SIFT: "Tolerated"; PolyPhen-2: "Probably Damaging"; Align-GVGD: "Class C0"). This variant has not been reported in the literature in individuals affected with TUBGCP6-related conditions. This variant is present in population databases (rs543860732, gnomAD 0.01%). This sequence change replaces aspartic acid, which is acidic and polar, with tyrosine, which is neutral and polar, at codon 1528 of the TUBGCP6 protein (p.Asp1528Tyr).

NM_020461.4(TUBGCP6):c.4582G>T (p.Asp1528Tyr)

Gene: TUBGCP6 (tubulin gamma complex component 6; minus strand). Cytogenetic location: 22q13.33.
Variant type: single nucleotide variant.
Coding change: c.4582G>T on transcript NM_020461.4 (MANE Select); coding-DNA position 4582, G replaced by T.
Protein change: p.Asp1528Tyr; replaces aspartic acid 1528 with tyrosine.
Molecular consequence: missense variant.
Genome position (GRCh38, 1-based): chr22:50,219,112, C>A on the plus strand (G>T on the coding strand, the complement: TUBGCP6 is on the minus strand). VCF-style: chr22-50219112-C-A. GRCh37 (hg19) VCF-style: chr22-50657541-C-A.
Other names: short protein forms D1528Y.
Identifiers: ClinVar variation 1999325 (VCV001999325.4), dbSNP rs543860732, ClinGen allele CA10307442.
Genomic context (GRCh38, chr22:50,219,112, plus strand): 5'-CGTGTCCGGAGGCCACCTTCTCAAAGAGCAGGTCGCTGAGGGACTGGGCGAACTCGCCGT[C>A]CTCCATCAGCAGGAAGTGCCGCAGTGCCTCATAGTGCGCCTCCAGGTGCAGCTCCACGAA-3'
Protein context (NP_065194.3, residues 1518-1538): EALRHFLLME[Asp1528Tyr]GEFAQSLSDL